The following is an entry in ClinVar:

NM_001348716.2(KDM6B):c.817C>T (p.Pro273Ser)

Gene: KDM6B (lysine demethylase 6B; plus strand). Cytogenetic location: 17p13.1.
Variant type: single nucleotide variant.
Coding change: c.817C>T on transcript NM_001348716.2 (MANE Select); coding-DNA position 817, C replaced by T.
Protein change: p.Pro273Ser; replaces proline 273 with serine.
Molecular consequence: missense variant.
Genome position (GRCh38, 1-based): chr17:7,846,924, C>T. VCF-style: chr17-7846924-C-T. GRCh37 (hg19) VCF-style: chr17-7750242-C-T.
Other names: c.817C>T, p.Pro273Ser (NM_001080424.2); short protein forms P273S.
Identifiers: ClinVar variation 2671707 (VCV002671707.1), dbSNP rs2544522721, ClinGen allele CA397914489.

ClinVar aggregate classification (germline): Uncertain significance (1 of 4 stars; one submission).

Conditions:
Neurodevelopmental disorder with coarse facies and mild distal skeletal abnormalities. Also called: STOLERMAN NEURODEVELOPMENTAL SYNDROME. Identifiers: MedGen C5193134, MONDO:0032790, OMIM 618505.

gnomAD v4.1: 1 of 1,575,984 alleles (0.000063%); highest among the groups gnomAD compares: Non-Finnish European, 0.000086%; no homozygotes.

Submission:

Neuberg Centre For Genomic Medicine, NCGM
Classification: Uncertain significance for Neurodevelopmental disorder with coarse facies and mild distal skeletal abnormalities. Last evaluated: 2023-02-14. Review status: criteria provided, single submitter. Criteria: ACMG Guidelines, 2015. Collection method: clinical testing. Allele origin: germline. Inheritance: Autosomal dominant inheritance. Affected: yes.
Comment: The missense c.598G>A (p.Val200Ile) variant in ARHGAP31 gene has not been reported previously as a pathogenic variant nor as a benign variant, to our knowledge. The p.Val200Ile variant has allele frequency 0.00001% in gnomAD Exomes and is novel (not in any individuals) in 1000 Genomes. This variant has been reported to the ClinVar database as Uncertain Significance. The amino acid change p.Val200Ile in ARHGAP31 is predicted as conserved by GERP++ and PhyloP across 100 vertebrates. The amino acid Val at position 200 is changed to a Ile changing protein sequence and it might alter its composition and physico-chemical properties. For these reasons, this variant has been classified as Variant of Uncertain Significance (VUS).